The following is an entry in ClinVar:

NM_033026.6(PCLO):c.2853A>C (p.Gln951His)

Gene: PCLO (piccolo presynaptic cytomatrix protein; minus strand). Cytogenetic location: 7q21.11.
Variant type: single nucleotide variant.
Coding change: c.2853A>C on transcript NM_033026.6 (MANE Select); coding-DNA position 2853, A replaced by C.
Protein change: p.Gln951His; replaces glutamine 951 with histidine.
Molecular consequence: missense variant.
Genome position (GRCh38, 1-based): chr7:83,134,697, T>G on the plus strand (A>C on the coding strand, the complement: PCLO is on the minus strand). VCF-style: chr7-83134697-T-G. GRCh37 (hg19) VCF-style: chr7-82764013-T-G.
Other names: c.2853A>C, p.Gln951His (NM_014510.3); short protein forms Q951H.
Identifiers: ClinVar variation 1520328 (VCV001520328.5), dbSNP rs372528862, ClinGen allele CA367898574.

ClinVar aggregate classification (germline): Uncertain significance (1 of 4 stars; one submission).

Submission:

Labcorp Genetics (formerly Invitae), Labcorp
Classification: Uncertain significance. Last evaluated: 2021-08-28. Review status: criteria provided, single submitter. Criteria: Invitae Variant Classification Sherloc (09022015). Collection method: clinical testing. Allele origin: germline.
Comment: This sequence change replaces glutamine with histidine at codon 951 of the PCLO protein (p.Gln951His). The glutamine residue is moderately conserved and there is a small physicochemical difference between glutamine and histidine. This variant is not present in population databases (ExAC no frequency). This variant has not been reported in the literature in individuals affected with PCLO-related conditions. Algorithms developed to predict the effect of missense changes on protein structure and function are either unavailable or do not agree on the potential impact of this missense change (SIFT: "Deleterious"; PolyPhen-2: "Not Available"; Align-GVGD: "Class C0"). In summary, the available evidence is currently insufficient to determine the role of this variant in disease. Therefore, it has been classified as a Variant of Uncertain Significance.